The following is an entry in ClinVar:

NM_001190.4(BCAT2):c.956C>G (p.Thr319Ser)

Gene: BCAT2 (branched chain amino acid transaminase 2; minus strand). Cytogenetic location: 19q13.33.
Variant type: single nucleotide variant.
Coding change: c.956C>G on transcript NM_001190.4 (MANE Select); coding-DNA position 956, C replaced by G.
Protein change: p.Thr319Ser; replaces threonine 319 with serine.
Molecular consequence: missense variant.
Genome position (GRCh38, 1-based): chr19:48,796,687, G>C on the plus strand (C>G on the coding strand, the complement: BCAT2 is on the minus strand). VCF-style: chr19-48796687-G-C. GRCh37 (hg19) VCF-style: chr19-49299944-G-C.
Other names: c.680C>G, p.Thr227Ser (NM_001164773.2); c.836C>G, p.Thr279Ser (NM_001284325.2); short protein forms T227S, T279S, T319S.
Identifiers: ClinVar variation 2175705 (VCV002175705.2), dbSNP rs200604464, ClinGen allele CA9558240.

ClinVar aggregate classification (germline): Uncertain significance (1 of 4 stars; one submission).

Allele frequency attached by ClinVar (database versions not stated): gnomAD 0.00004; TOPMed 0.00005; 1000 Genomes Project 30x 0.00016; 1000 Genomes Project 0.00020.

Submission:

Labcorp Genetics (formerly Invitae), Labcorp
Classification: Uncertain significance. Last evaluated: 2025-10-27. Review status: criteria provided, single submitter. Criteria: Invitae Variant Classification Sherloc (09022015). Collection method: clinical testing. Allele origin: germline.
Comment: This sequence change replaces threonine, which is neutral and polar, with serine, which is neutral and polar, at codon 319 of the BCAT2 protein (p.Thr319Ser). This variant is present in population databases (rs200604464, gnomAD 0.02%). This variant has not been reported in the literature in individuals affected with BCAT2-related conditions. ClinVar contains an entry for this variant (Variation ID: 2175705). Invitae Evidence Modeling of protein sequence and biophysical properties (such as structural, functional, and spatial information, amino acid conservation, physicochemical variation, residue mobility, and thermodynamic stability) indicates that this missense variant is not expected to disrupt BCAT2 protein function with a negative predictive value of 80%. In summary, the available evidence is currently insufficient to determine the role of this variant in disease. Therefore, it has been classified as a Variant of Uncertain Significance.